The following is an entry in ClinVar:

NM_001039591.3(USP9X):c.3243T>C (p.Phe1081=)

Gene: USP9X (ubiquitin specific peptidase 9 X-linked; plus strand). Cytogenetic location: Xp11.4.
Variant type: single nucleotide variant.
Coding change: c.3243T>C on transcript NM_001039591.3 (MANE Select); coding-DNA position 3243, T replaced by C.
Protein change: p.Phe1081=; no amino-acid change (phenylalanine 1081 retained).
Molecular consequence: synonymous variant.
Genome position (GRCh38, 1-based): chrX:41,184,092, T>C. VCF-style: chrX-41184092-T-C. GRCh37 (hg19) VCF-style: chrX-41043345-T-C.
Other names: c.3243T>C, p.Phe1081= (NM_001039590.3); c.3258T>C, p.Phe1086= (NM_001410748.1, NM_001410749.1).
Identifiers: ClinVar variation 3656474 (VCV003656474.3).

ClinVar aggregate classification (germline): Likely benign. Review status: criteria provided, multiple submitters, no conflicts (2 of 4 stars). 2 submissions from 2 submitters: Likely benign (2). Last evaluated 2026-08-01.

gnomAD v4.1: 126 of 1,208,676 alleles (0.01%); highest among the groups gnomAD compares: Non-Finnish European, 0.014%; no homozygotes.

Submissions (2):

CeGaT Center for Human Genetics Tuebingen
Classification: Likely benign. Last evaluated: 2026-08-01. Review status: criteria provided, single submitter. Criteria: CeGaT Center For Human Genetics Tuebingen Variant Classification Criteria Version 2. Collection method: clinical testing. Allele origin: germline. Affected: yes. Observed: 1 variant allele.
Comment: USP9X: BP4, BS2

Labcorp Genetics (formerly Invitae), Labcorp
Classification: Likely benign. Last evaluated: 2024-09-06. Review status: criteria provided, single submitter. Criteria: Invitae Variant Classification Sherloc (09022015). Collection method: clinical testing. Allele origin: germline.